The following is an entry in ClinVar:

ClinVar aggregate classification (germline): Conflicting classifications of pathogenicity. Review status: criteria provided, conflicting classifications (1 of 4 stars). 5 submissions from 5 submitters: Uncertain significance (1); Likely benign (3). 1 of the submissions does not count toward it. Last evaluated 2026-01-13.

Conditions:
Inborn genetic diseases. Identifiers: MedGen C0950123, MeSH D030342.
Early-infantile DEE. Also called: Early infantile epileptic encephalopathy with suppression bursts; Early infantile epileptic encephalopathy; Ohtahara syndrome. Identifiers: Orphanet 1934, MedGen C0393706, MONDO:0800491.
HCN1-related disorder. Also called: HCN1-related condition; HCN1-related disorders.

Submissions (5):

Labcorp Genetics (formerly Invitae), Labcorp
Classification: Likely benign for Early-infantile DEE. Last evaluated: 2026-01-13. Review status: criteria provided, single submitter. Criteria: Invitae Variant Classification Sherloc (09022015). Collection method: clinical testing. Allele origin: germline.

Ambry Genetics
Classification: Likely benign for Inborn genetic diseases. Last evaluated: 2024-06-07. Review status: criteria provided, single submitter. Criteria: Ambry Variant Classification Scheme 2023. Collection method: clinical testing. Allele origin: germline.

Revvity Omics, Revvity
Classification: Uncertain significance. Last evaluated: 2021-10-05. Review status: criteria provided, single submitter. Criteria: ACMG Guidelines, 2015. Collection method: clinical testing. Allele origin: germline.

Eurofins Ntd Llc (ga)
Classification: Likely benign. Last evaluated: 2016-05-24. Review status: criteria provided, single submitter. Criteria: EGL Classification Definitions. Collection method: clinical testing. Allele origin: germline. Observed: 1 variant allele, 1 heterozygote.

PreventionGenetics, part of Exact Sciences
Classification: Likely benign for HCN1-related condition. Last evaluated: 2022-04-22. Review status: no assertion criteria provided. Collection method: clinical testing. Allele origin: germline. Not counted in ClinVar's aggregate classification.
Comment: This variant is classified as likely benign based on ACMG/AMP sequence variant interpretation guidelines (Richards et al. 2015 PMID: 25741868, with internal and published modifications).

NM_021072.4(HCN1):c.203GCG[8] (p.Gly74dup)

Gene: HCN1 (hyperpolarization activated cyclic nucleotide gated potassium channel 1; minus strand). Cytogenetic location: 5p12.
Variant type: Microsatellite.
Coding change: c.203GCG[8] on transcript NM_021072.4 (MANE Select); eight copies in a row of the 3-base unit GCG starting at c.203; the reference has seven copies in a row; one copy, 3 bases duplicated; also written c.221_223dup.
Protein change: p.Gly74dup; duplicates glycine 74.
Molecular consequence: inframe insertion.
Genome position (GRCh38, 1-based): chr5:45,695,871-45,695,873, CGC duplicated on the plus strand (GCG on the coding strand, the reverse complement: HCN1 is on the minus strand); duplicating any 3 consecutive bases within chr5:45,695,871-45,695,892 gives the same sequence; the position shown is the placement nearest the transcript's 3' end. VCF-style (leftmost placement, unchanged base first): chr5-45695870-T-TCGC. GRCh37 (hg19) VCF-style: chr5-45695972-T-TCGC.
Other names: c.221_223dup (NM_021072.3, NM_021072.4).
Identifiers: ClinVar variation 412769 (VCV000412769.24), dbSNP rs747975797, ClinGen allele CA3259499.